The following is an entry in ClinVar:

ClinVar aggregate classification (germline): Likely benign. Review status: criteria provided, multiple submitters, no conflicts (2 of 4 stars). 2 submissions from 2 submitters: Likely benign (2). Last evaluated 2025-05-07.

Conditions:
COL4A3-related disorder. Also called: COL4A3-Related Disorders; COL4A3-related condition.

Allele frequency attached by ClinVar (database versions not stated): ExAC 0.00001; gnomAD exomes 0.00001; TOPMed 0.00001; gnomAD 0.00003.
gnomAD v4.1: 17 of 1,613,500 alleles (0.0011%); highest among the groups gnomAD compares: Non-Finnish European, 0.0014%; no homozygotes.

Submissions (2):

PreventionGenetics, part of Exact Sciences
Classification: Likely benign for COL4A3-related condition. Last evaluated: 2025-05-07. Review status: criteria provided, single submitter. Criteria: ACMG Guidelines, 2015. Collection method: clinical testing. Allele origin: germline.
Comment: This variant is classified as likely benign based on ACMG/AMP sequence variant interpretation guidelines (Richards et al. 2015 PMID: 25741868, with internal and published modifications).

Labcorp Genetics (formerly Invitae), Labcorp
Classification: Likely benign. Last evaluated: 2023-06-23. Review status: criteria provided, single submitter. Criteria: Invitae Variant Classification Sherloc (09022015). Collection method: clinical testing. Allele origin: germline.

NM_000091.5(COL4A3):c.861G>A (p.Lys287=)

Genes: COL4A3 (collagen type IV alpha 3 chain; plus strand), MFF-DT (MFF divergent transcript; minus strand). Cytogenetic location: 2q36.3.
Variant type: single nucleotide variant.
Coding change: c.861G>A on transcript NM_000091.5 (MANE Select); coding-DNA position 861, G replaced by A.
Protein change: p.Lys287=; no amino-acid change (lysine 287 retained).
Molecular consequence: synonymous variant.
Genome position (GRCh38, 1-based): chr2:227,254,688, G>A. VCF-style: chr2-227254688-G-A. GRCh37 (hg19) VCF-style: chr2-228119404-G-A.
Identifiers: ClinVar variation 2892190 (VCV002892190.4), dbSNP rs770078281, ClinGen allele CA2146399.